The following is an entry in ClinVar:

ClinVar aggregate classification (germline): Uncertain significance (1 of 4 stars; one submission).

Allele frequency attached by ClinVar (database versions not stated): gnomAD 0.00002.
gnomAD v4.1: 3 of 1,510,856 alleles (0.0002%); highest among the groups gnomAD compares: African/African-American, 0.0043%; no homozygotes.

Submission:

Labcorp Genetics (formerly Invitae), Labcorp
Classification: Uncertain significance. Last evaluated: 2023-12-06. Review status: criteria provided, single submitter. Criteria: Invitae Variant Classification Sherloc (09022015). Collection method: clinical testing. Allele origin: germline.
Comment: This sequence change replaces histidine, which is basic and polar, with tyrosine, which is neutral and polar, at codon 1234 of the MYH7B protein (p.His1234Tyr). This variant is not present in population databases (gnomAD no frequency). This variant has not been reported in the literature in individuals affected with MYH7B-related conditions. ClinVar contains an entry for this variant (Variation ID: 1717259). Advanced modeling of protein sequence and biophysical properties (such as structural, functional, and spatial information, amino acid conservation, physicochemical variation, residue mobility, and thermodynamic stability) performed at Invitae indicates that this missense variant is not expected to disrupt MYH7B protein function with a negative predictive value of 80%. In summary, the available evidence is currently insufficient to determine the role of this variant in disease. Therefore, it has been classified as a Variant of Uncertain Significance.

NM_020884.7(MYH7B):c.3574C>T (p.His1192Tyr)

Gene: MYH7B (myosin heavy chain 7B; plus strand). Cytogenetic location: 20q11.22.
Variant type: single nucleotide variant.
Coding change: c.3574C>T on transcript NM_020884.7 (MANE Select); coding-DNA position 3574, C replaced by T.
Protein change: p.His1192Tyr; replaces histidine 1192 with tyrosine.
Molecular consequence: missense variant.
Genome position (GRCh38, 1-based): chr20:34,997,467, C>T. VCF-style: chr20-34997467-C-T. GRCh37 (hg19) VCF-style: chr20-33585270-C-T.
Other names: short protein forms H1192Y.
Identifiers: ClinVar variation 1717259 (VCV001717259.5), dbSNP rs2082283665, ClinGen allele CA408711482.